The following is an entry in ClinVar:

ClinVar aggregate classification (germline): Conflicting classifications of pathogenicity. Review status: criteria provided, conflicting classifications (1 of 4 stars). 3 submissions from 3 submitters: Uncertain significance (2); Likely benign (1). Last evaluated 2022-03-11.

Allele frequency attached by ClinVar (database versions not stated): TOPMed below 0.00001; gnomAD 0.00002; gnomAD exomes 0.00003; ExAC 0.00007.

Submissions (3):

Blueprint Genetics
Classification: Likely benign. Last evaluated: 2022-03-11. Review status: criteria provided, single submitter. Criteria: ACMG Guidelines, 2015. Collection method: clinical testing. Allele origin: germline.

Labcorp Genetics (formerly Invitae), Labcorp
Classification: Uncertain significance. Last evaluated: 2021-12-02. Review status: criteria provided, single submitter. Criteria: Invitae Variant Classification Sherloc (09022015). Collection method: clinical testing. Allele origin: germline.
Comment: This sequence change replaces alanine, which is neutral and non-polar, with threonine, which is neutral and polar, at codon 358 of the MED17 protein (p.Ala358Thr). This variant is present in population databases (rs769730121, gnomAD 0.04%). This variant has not been reported in the literature in individuals affected with MED17-related conditions. Algorithms developed to predict the effect of missense changes on protein structure and function output the following: SIFT: "Tolerated"; PolyPhen-2: "Benign"; Align-GVGD: "Class C0". The threonine amino acid residue is found in multiple mammalian species, which suggests that this missense change does not adversely affect protein function. In summary, the available evidence is currently insufficient to determine the role of this variant in disease. Therefore, it has been classified as a Variant of Uncertain Significance.

Breakthrough Genomics
Classification: Uncertain significance. Review status: criteria provided, single submitter. Criteria: ACMG Guidelines, 2015. Collection method: not provided. Allele origin: germline. Inheritance: Autosomal recessive inheritance. Affected: yes.

NM_004268.5(MED17):c.1072G>A (p.Ala358Thr)

Gene: MED17 (mediator complex subunit 17; plus strand). Cytogenetic location: 11q21.
Variant type: single nucleotide variant.
Coding change: c.1072G>A on transcript NM_004268.5 (MANE Select); coding-DNA position 1072, G replaced by A.
Protein change: p.Ala358Thr; replaces alanine 358 with threonine.
Molecular consequence: missense variant.
Genome position (GRCh38, 1-based): chr11:93,796,469, G>A. VCF-style: chr11-93796469-G-A. GRCh37 (hg19) VCF-style: chr11-93529635-G-A.
Other names: short protein forms A358T.
Identifiers: ClinVar variation 2200587 (VCV002200587.3), dbSNP rs769730121, ClinGen allele CA6232514.